The following is an entry in ClinVar:

NM_000548.5(TSC2):c.3479C>G (p.Thr1160Ser)

Gene: TSC2 (TSC complex subunit 2; plus strand). Cytogenetic location: 16p13.3.
Variant type: single nucleotide variant.
Coding change: c.3479C>G on transcript NM_000548.5 (MANE Select); coding-DNA position 3479, C replaced by G.
Protein change: p.Thr1160Ser; replaces threonine 1160 with serine.
Molecular consequence: missense variant.
Genome position (GRCh38, 1-based): chr16:2,080,246, C>G. VCF-style: chr16-2080246-C-G. GRCh37 (hg19) VCF-style: chr16-2130247-C-G.
Other names: c.3347C>G, p.Thr1116Ser (NM_001077183.3, NM_001370404.1); c.3479C>G, p.Thr1160Ser (NM_001114382.3); c.3239C>G, p.Thr1080Ser (NM_001318827.2); c.3203C>G, p.Thr1068Ser (NM_001318829.2); c.2747C>G, p.Thr916Ser (NM_001318831.2); c.3380C>G, p.Thr1127Ser (NM_001318832.2); c.3350C>G, p.Thr1117Ser (NM_001363528.2, NM_001370405.1, NM_021055.3); short protein forms T1068S, T1080S, T1116S, T1117S, T1127S, T1160S, T916S.
Identifiers: ClinVar variation 1692494 (VCV001692494.1), dbSNP rs2151458293, ClinGen allele CA394289000.

ClinVar aggregate classification (germline): Uncertain significance (1 of 4 stars; one submission).

Conditions:
Hereditary cancer-predisposing syndrome. Also called: Hereditary Cancer Syndrome; Hereditary neoplastic syndrome; Neoplastic Syndromes, Hereditary; Tumor predisposition. Identifiers: Orphanet 140162, MedGen C0027672, MeSH D009386, MONDO:0015356.

gnomAD v4.1: 1 of 1,612,980 alleles (0.000062%); highest among the groups gnomAD compares: South Asian, 0.0011%; no homozygotes.

Submission:

Sema4
Classification: Uncertain significance for Hereditary cancer-predisposing syndrome. Last evaluated: 2022-02-14. Review status: criteria provided, single submitter. Criteria: Sema4 Curation Guidelines. Collection method: curation. Allele origin: germline.
Comment: The TSC2 c.3479C>G (p.T1160S) variant has not been reported in the literature to our knowledge. This variant is not reported in the population database Genome Aggregation Database (PMID: 32461654). The variant has not been reported in ClinVar. Functional studies have not been performed, and in silico predictions of the variant's effect on protein function are inconclusive. The evidence is insufficient to meet ACMG/AMP criteria for classifying the variant as benign or pathogenic. Thus, the clinical significance of this variant is currently uncertain.